The following is an entry in ClinVar:

NM_000179.3(MSH6):c.2933del (p.Gln978fs)

Gene: MSH6 (mutS homolog 6; plus strand). Cytogenetic location: 2p16.3.
Variant type: Deletion.
Coding change: c.2933del on transcript NM_000179.3 (MANE Select); coding-DNA position 2933, one base deleted (A; older notation c.2933delA).
Protein change: p.Gln978fs; shifts the reading frame from glutamine 978.
Molecular consequence: frameshift variant.
Genome position (GRCh38, 1-based): chr2:47,800,916, A deleted. VCF-style (leftmost placement, unchanged base first): chr2-47800915-CA-C. GRCh37 (hg19) VCF-style: chr2-48028054-CA-C.
Other names: c.2543del, p.Gln848fs (NM_001281492.2); c.2027del, p.Gln676fs (NM_001281493.2, NM_001281494.2); c.3029delA, p.Gln1010Argfs (NM_001406795.1, NM_001406802.1); c.2933delA, p.Gln978Argfs (NM_001406796.1, NM_001406798.1, NM_001406800.1 and 2 more transcripts); c.2636delA, p.Gln879Argfs (NM_001406797.1, NM_001406801.1, NM_001406805.1 and 10 more transcripts); c.2408delA, p.Gln803Argfs (NM_001406799.1, NM_001406806.1, NM_001406807.1); c.2855delA, p.Gln952Argfs (NM_001406804.1); c.2027delA, p.Gln676Argfs (NM_001406811.1, NM_001406812.1, NM_001406814.1 and 4 more transcripts); and 3 more; short protein forms Q676fs, Q978fs, Q848fs.
Identifiers: ClinVar variation 1797845 (VCV001797845.2), dbSNP rs2530702613, ClinGen allele CA2580068109.

ClinVar aggregate classification (germline): Pathogenic (1 of 4 stars; one submission).

Conditions:
Hereditary cancer-predisposing syndrome. Also called: Neoplastic Syndromes, Hereditary; Tumor predisposition; Hereditary Cancer Syndrome; Hereditary neoplastic syndrome. Identifiers: Orphanet 140162, MedGen C0027672, MeSH D009386, MONDO:0015356.

Submission:

Ambry Genetics
Classification: Pathogenic for Hereditary cancer-predisposing syndrome. Last evaluated: 2020-03-19. Review status: criteria provided, single submitter. Criteria: Ambry Variant Classification Scheme 2023. Collection method: clinical testing. Allele origin: germline.
Comment: The c.2933delA pathogenic mutation, located in coding exon 4 of the MSH6 gene, results from a deletion of one nucleotide at position 2933 causing a translational frameshift with a predicted alternate stop codon (p.Q978Rfs*19). This alteration is expected to result in loss of function by premature protein truncation or nonsense-mediated mRNA decay. As such, this alteration is interpreted as a disease-causing mutation.